The following is an entry in ClinVar:

ClinVar aggregate classification (germline): Uncertain significance (1 of 4 stars; one submission).

Allele frequency attached by ClinVar (database versions not stated): ExAC 0.00002.
gnomAD v4.1: 15 of 1,614,214 alleles (0.00093%); highest among the groups gnomAD compares: South Asian, 0.015%; no homozygotes.

Submission:

Labcorp Genetics (formerly Invitae), Labcorp
Classification: Uncertain significance. Last evaluated: 2025-11-03. Review status: criteria provided, single submitter. Criteria: Invitae Variant Classification Sherloc (09022015). Collection method: clinical testing. Allele origin: germline.
Comment: This sequence change replaces valine, which is neutral and non-polar, with methionine, which is neutral and non-polar, at codon 316 of the SON protein (p.Val316Met). This variant is present in population databases (rs774753289, gnomAD 0.01%). This variant has not been reported in the literature in individuals affected with SON-related conditions. ClinVar contains an entry for this variant (Variation ID: 2972639). An algorithm developed to predict the effect of missense changes on protein structure and function (PolyPhen-2) suggests that this variant is likely to be disruptive. In summary, the available evidence is currently insufficient to determine the role of this variant in disease. Therefore, it has been classified as a Variant of Uncertain Significance.

NM_138927.4(SON):c.946G>A (p.Val316Met)

Gene: SON (SON DNA and RNA binding protein; plus strand). Cytogenetic location: 21q22.11.
Variant type: single nucleotide variant.
Coding change: c.946G>A on transcript NM_138927.4 (MANE Select); coding-DNA position 946, G replaced by A.
Protein change: p.Val316Met; replaces valine 316 with methionine.
Molecular consequence: missense variant. On other transcripts: non-coding transcript variant (1), intron variant (1).
Genome position (GRCh38, 1-based): chr21:33,550,177, G>A. VCF-style: chr21-33550177-G-A. GRCh37 (hg19) VCF-style: chr21-34922483-G-A.
Other names: c.946G>A, p.Val316Met (NM_001291411.2, NM_001412133.1, NM_032195.3 and 2 more transcripts); c.244+3798G>A (NM_001291412.3); short protein forms V316M.
Identifiers: ClinVar variation 2972639 (VCV002972639.3), dbSNP rs774753289, ClinGen allele CA10008779.